The following is an entry in ClinVar:

ClinVar aggregate classification (germline): Uncertain significance (1 of 4 stars; one submission).

Conditions:
MACF1-related disorder. Also called: MACF1-related condition.

Submission:

PreventionGenetics, part of Exact Sciences
Classification: Uncertain significance for MACF1-related condition. Last evaluated: 2023-07-24. Review status: criteria provided, single submitter. Criteria: ACMG Guidelines, 2015. Collection method: clinical testing. Allele origin: germline.
Comment: The MACF1 c.692_694dupCAC variant is predicted to result in an in-frame duplication (p.Ala231_Leu232insPro). To our knowledge, this variant has not been reported in the literature or in a large population database, indicating this variant is rare. Although we suspect that this variant may be pathogenic, at this time, the clinical significance of this variant is uncertain due to the absence of conclusive functional and genetic evidence.

NM_001394062.1(MACF1):c.677_679dup (p.Ala226_Leu227insPro)

Gene: MACF1 (microtubule actin crosslinking factor 1; plus strand). Cytogenetic location: 1p34.3.
Variant type: Duplication.
Coding change: c.677_679dup on transcript NM_001394062.1 (MANE Select); coding-DNA positions 677 to 679, 3 bases duplicated (CAC; older notation c.677_679dupCAC).
Protein change: p.Ala226_Leu227insPro.
Molecular consequence: inframe insertion.
Genome position (GRCh38, 1-based): chr1:39,282,356-39,282,358, CAC duplicated. VCF-style (leftmost placement, unchanged base first): chr1-39282355-G-GCAC. GRCh37 (hg19) VCF-style: chr1-39748027-G-GCAC.
Other names: c.692_694dup, p.Ala231_Leu232insPro (NM_012090.5); c.692_694dupCAC (NM_012090.5).
Identifiers: ClinVar variation 2631319 (VCV002631319.1), dbSNP rs2523104226, ClinGen allele CA2695197999.